The following is an entry in ClinVar:

NM_001999.4(FBN2):c.4195T>G (p.Trp1399Gly)

Gene: FBN2 (fibrillin 2; minus strand). Cytogenetic location: 5q23.3.
Variant type: single nucleotide variant.
Coding change: c.4195T>G on transcript NM_001999.4 (MANE Select); coding-DNA position 4195, T replaced by G.
Protein change: p.Trp1399Gly; replaces tryptophan 1399 with glycine.
Molecular consequence: missense variant.
Genome position (GRCh38, 1-based): chr5:128,332,939, A>C on the plus strand (T>G on the coding strand, the complement: FBN2 is on the minus strand). VCF-style: chr5-128332939-A-C. GRCh37 (hg19) VCF-style: chr5-127668631-A-C.
Other names: short protein forms W1399G.
Identifiers: ClinVar variation 2574535 (VCV002574535.1), dbSNP rs2479791752, ClinGen allele CA360754756.
Genomic context (GRCh38, chr5:128,332,939, plus strand): 5'-CTTAGCAAAGGATATTTACATTTGCAAACTCACCAATACACTTGATGCCGTTTCCAATCC[A>C]GCCTTCTCTGCAGCTACACTTGAAGCTTCCTGGGATATTCAGACATGAGGCATGCATGTC-3'
Protein context (NP_001990.2, residues 1389-1409): GSFKCSCREG[Trp1399Gly]IGNGIKCIDL

ClinVar aggregate classification (germline): Uncertain significance (1 of 4 stars; one submission).

Submission:

GeneDx
Classification: Uncertain significance. Last evaluated: 2023-01-30. Review status: criteria provided, single submitter. Criteria: GeneDx Variant Classification Process June 2021. Collection method: clinical testing. Allele origin: germline. Affected: yes.
Comment: Not observed at significant frequency in large population cohorts (gnomAD); In silico analysis supports that this missense variant has a deleterious effect on protein structure/function; Has not been previously published as pathogenic or benign to our knowledge; Although located in a calcium-binding EGF-like domain of the FBN2 gene, it does not substitute or introduce a cysteine residue (Callewaert et al., 2009; Frederic et al., 2009); This variant is associated with the following publications: (PMID: 19006240, 18767143)